The following is an entry in ClinVar:

ClinVar aggregate classification (germline): Benign/Likely benign. Review status: criteria provided, multiple submitters, no conflicts (2 of 4 stars). 6 submissions from 6 submitters: Benign (1); Likely benign (4). 1 of the submissions does not count toward it. Last evaluated 2026-01-07.

Conditions:
ITPR1-related disorder. Also called: ITPR1-related condition.

Allele frequency attached by ClinVar (database versions not stated): gnomAD exomes 0.00007 and 0.00016; ExAC 0.00020; ESP Exome Variant Server 0.00041; 1000 Genomes Project 0.00060; 1000 Genomes Project 30x 0.00062; gnomAD 0.00077 and 0.00082; TOPMed 0.00088.
gnomAD v4.1: 222 of 1,613,696 alleles (0.014%); highest among the groups gnomAD compares: African/African-American, 0.27%; no homozygotes.

Submissions (6):

Labcorp Genetics (formerly Invitae), Labcorp
Classification: Likely benign. Last evaluated: 2026-01-07. Review status: criteria provided, single submitter. Criteria: Invitae Variant Classification Sherloc (09022015). Collection method: clinical testing. Allele origin: germline.

CeGaT Center for Human Genetics Tuebingen
Classification: Likely benign. Last evaluated: 2025-04-01. Review status: criteria provided, single submitter. Criteria: CeGaT Center For Human Genetics Tuebingen Variant Classification Criteria Version 2. Collection method: clinical testing. Allele origin: germline. Affected: yes. Observed: 1 variant allele.
Comment: ITPR1: BP4, BP7

Athena Diagnostics
Classification: Benign. Last evaluated: 2024-08-30. Review status: criteria provided, single submitter. Criteria: Athena Diagnostics Criteria. Collection method: clinical testing. Allele origin: unknown.

GeneDx
Classification: Likely benign. Last evaluated: 2020-11-30. Review status: criteria provided, single submitter. Criteria: GeneDx Variant Classification Process June 2021. Collection method: clinical testing. Allele origin: germline. Affected: yes.

Breakthrough Genomics
Classification: Likely benign. Review status: criteria provided, single submitter. Criteria: ACMG Guidelines, 2015. Collection method: not provided. Allele origin: germline. Inheritance: Autosomal dominant inheritance. Affected: yes.

PreventionGenetics, part of Exact Sciences
Classification: Likely benign for ITPR1-related condition. Last evaluated: 2023-07-28. Review status: no assertion criteria provided. Collection method: clinical testing. Allele origin: germline. Not counted in ClinVar's aggregate classification.
Comment: This variant is classified as likely benign based on ACMG/AMP sequence variant interpretation guidelines (Richards et al. 2015 PMID: 25741868, with internal and published modifications).

NM_001378452.1(ITPR1):c.1449C>T (p.Phe483=)

Gene: ITPR1 (inositol 1,4,5-trisphosphate receptor type 1; plus strand). Cytogenetic location: 3p26.1.
Variant type: single nucleotide variant.
Coding change: c.1449C>T on transcript NM_001378452.1 (MANE Select); coding-DNA position 1449, C replaced by T.
Protein change: p.Phe483=; no amino-acid change (phenylalanine 483 retained).
Molecular consequence: synonymous variant.
Genome position (GRCh38, 1-based): chr3:4,663,101, C>T. VCF-style: chr3-4663101-C-T. GRCh37 (hg19) VCF-style: chr3-4704785-C-T.
Other names: c.1449C>T, p.Phe483= (NM_001099952.4); c.1404C>T, p.Phe468= (NM_001168272.2, NM_002222.7).
Identifiers: ClinVar variation 719633 (VCV000719633.22), dbSNP rs192247062, ClinGen allele CA2231195.
Genomic context (GRCh38, chr3:4,663,101, plus strand): 5'-TCTAATAGCGTCTTTCCTCCTAAGGTCTGTAACCAAGCTGCTAGAAGATTTGGTTTACTT[C>T]GTCACTGGTGGAACTAATTCTGGTCAAGATGTTCTCGAAGTTGTCTTCTCCAAGCCCAAC-3'
Protein context (NP_001365381.1, residues 473-493): VTKLLEDLVY[Phe483=]VTGGTNSGQD